The following is an entry in ClinVar:

NM_000179.3(MSH6):c.3956A>G (p.Lys1319Arg)

Gene: MSH6 (mutS homolog 6; plus strand). Cytogenetic location: 2p16.3.
Variant type: single nucleotide variant.
Coding change: c.3956A>G on transcript NM_000179.3 (MANE Select); coding-DNA position 3956, A replaced by G.
Protein change: p.Lys1319Arg; replaces lysine 1319 with arginine.
Molecular consequence: missense variant.
Genome position (GRCh38, 1-based): chr2:47,806,606, A>G. VCF-style: chr2-47806606-A-G. GRCh37 (hg19) VCF-style: chr2-48033745-A-G.
Other names: c.3566A>G, p.Lys1189Arg (NM_001281492.2); c.3050A>G, p.Lys1017Arg (NM_001281493.2, NM_001281494.2); short protein forms K1319R, K1017R, K1189R.
Identifiers: ClinVar variation 231813 (VCV000231813.16), dbSNP rs876659383, ClinGen allele CA10578170.

ClinVar aggregate classification (germline): Uncertain significance. Review status: criteria provided, multiple submitters, no conflicts (2 of 4 stars). 3 submissions from 3 submitters: Uncertain significance (3). Last evaluated 2024-04-26.

Conditions:
Hereditary nonpolyposis colorectal neoplasms. Identifiers: MedGen C0009405, MeSH D003123.
Hereditary cancer-predisposing syndrome. Also called: Neoplastic Syndromes, Hereditary; Tumor predisposition; Hereditary Cancer Syndrome; Hereditary neoplastic syndrome. Identifiers: Orphanet 140162, MedGen C0027672, MeSH D009386, MONDO:0015356.

Submissions (3):

Ambry Genetics
Classification: Uncertain significance for Hereditary cancer-predisposing syndrome. Last evaluated: 2024-04-26. Review status: criteria provided, single submitter. Criteria: Ambry Variant Classification Scheme 2023. Collection method: clinical testing. Allele origin: germline.
Comment: The p.K1319R variant (also known as c.3956A>G), located in coding exon 9 of the MSH6 gene, results from an A to G substitution at nucleotide position 3956. The lysine at codon 1319 is replaced by arginine, an amino acid with highly similar properties. This variant has been identified in a cohort of 8085 Chinese breast cancer patients (Hu L et al. NPJ Breast Cancer, 2022 Apr;8:52). This amino acid position is highly conserved in available vertebrate species. In addition, the in silico prediction for this alteration is inconclusive. Based on the available evidence, the clinical significance of this variant remains unclear.

Labcorp Genetics (formerly Invitae), Labcorp
Classification: Uncertain significance for Hereditary nonpolyposis colorectal neoplasms. Last evaluated: 2023-03-12. Review status: criteria provided, single submitter. Criteria: Invitae Variant Classification Sherloc (09022015). Collection method: clinical testing. Allele origin: germline.
Comment: This sequence change replaces lysine, which is basic and polar, with arginine, which is basic and polar, at codon 1319 of the MSH6 protein (p.Lys1319Arg). This variant is not present in population databases (gnomAD no frequency). This variant has not been reported in the literature in individuals affected with MSH6-related conditions. ClinVar contains an entry for this variant (Variation ID: 231813). Advanced modeling of protein sequence and biophysical properties (such as structural, functional, and spatial information, amino acid conservation, physicochemical variation, residue mobility, and thermodynamic stability) performed at Invitae indicates that this missense variant is not expected to disrupt MSH6 protein function. In summary, the available evidence is currently insufficient to determine the role of this variant in disease. Therefore, it has been classified as a Variant of Uncertain Significance.

Color Diagnostics, LLC DBA Color Health
Classification: Uncertain significance for Hereditary cancer-predisposing syndrome. Last evaluated: 2022-08-15. Review status: criteria provided, single submitter. Criteria: ACMG Guidelines, 2015. Collection method: clinical testing. Allele origin: germline.
Comment: This missense variant replaces lysine with arginine at codon 1319 of the MSH6 protein. Computational prediction is inconclusive regarding the impact of this variant on protein structure and function (internally defined REVEL score threshold 0.5 < inconclusive < 0.7, PMID: 27666373). To our knowledge, functional studies have not been reported for this variant. This variant has not been reported in individuals affected with hereditary cancer in the literature. This variant has not been identified in the general population by the Genome Aggregation Database (gnomAD). The available evidence is insufficient to determine the role of this variant in disease conclusively. Therefore, this variant is classified as a Variant of Uncertain Significance.

Literature cited by the submitters: PubMed 35449176 (cited by Ambry Genetics).